The following is an entry in ClinVar:

ClinVar aggregate classification (germline): Pathogenic. Review status: reviewed by expert panel (3 of 4 stars). 6 submissions from 6 submitters: Pathogenic (1). 5 of the submissions do not count toward it. Last evaluated 2016-10-18.

Conditions:
Hereditary breast ovarian cancer syndrome. Also called: Hereditary breast and ovarian cancer syndrome (HBOC); Breast and ovarian cancer; Hereditary breast and ovarian cancer syndrome; Hereditary breast and ovarian cancer; BRCA1- and BRCA2-Associated Hereditary Breast and Ovarian Cancer; Hereditary breast and/or ovarian cancer syndrome. Identifiers: Orphanet 145, MedGen C0677776, MeSH D061325, MONDO:0003582. Disease mechanism: loss of function.
Hereditary cancer-predisposing syndrome. Also called: Hereditary Cancer Syndrome; Neoplastic Syndromes, Hereditary; Hereditary neoplastic syndrome; Tumor predisposition. Identifiers: Orphanet 140162, MedGen C0027672, MeSH D009386, MONDO:0015356.
Breast-ovarian cancer, familial, susceptibility to, 1 (BROVCA1). Also called: BRCA1 Hereditary Breast and Ovarian Cancer; OVARIAN CANCER, SUSCEPTIBILITY TO. Identifiers: Orphanet 145, MedGen C2676676, MONDO:0011450, OMIM 604370. Disease mechanism: loss of function.

Submissions (6):

Evidence-based Network for the Interpretation of Germline Mutant Alleles (ENIGMA)
Classification: Pathogenic for Breast-ovarian cancer, familial, susceptibility to, 1. Last evaluated: 2016-10-18. Review status: reviewed by expert panel. Criteria: ENIGMA BRCA1/2 Classification Criteria (2015). Collection method: curation. Allele origin: germline.
Comment: Variant allele predicted to encode a truncated non-functional protein.

Ambry Genetics
Classification: Pathogenic for Hereditary cancer-predisposing syndrome. Last evaluated: 2025-01-10. Review status: criteria provided, single submitter. Criteria: Ambry Variant Classification Scheme 2023. Collection method: clinical testing. Allele origin: germline. Not counted in ClinVar's aggregate classification.
Comment: The c.2960dupA pathogenic mutation, located in coding exon 9 of the BRCA1 gene, results from a duplication of A at nucleotide position 2960, causing a translational frameshift with a predicted alternate stop codon (p.S988Vfs*4). In a study of 1854 high-risk breast/ovarian cancer families in Italy, this alteration was detected in 5 families (Azzollini J et al. Eur. J. Intern. Med., 2016 Jul;32:65-71). In addition to the clinical data presented in the literature, this alteration is expected to result in loss of function by premature protein truncation or nonsense-mediated mRNA decay. As such, this alteration is interpreted as a disease-causing mutation.

Labcorp Genetics (formerly Invitae), Labcorp
Classification: Pathogenic for Hereditary breast ovarian cancer syndrome. Last evaluated: 2022-11-15. Review status: criteria provided, single submitter. Criteria: Invitae Variant Classification Sherloc (09022015). Collection method: clinical testing. Allele origin: germline. Not counted in ClinVar's aggregate classification.
Comment: This sequence change creates a premature translational stop signal (p.Ser988Valfs*4) in the BRCA1 gene. It is expected to result in an absent or disrupted protein product. Loss-of-function variants in BRCA1 are known to be pathogenic (PMID: 20104584). This variant is not present in population databases (gnomAD no frequency). This premature translational stop signal has been observed in individual(s) with breast and/or ovarian cancer (PMID: 27062684, 29446198). ClinVar contains an entry for this variant (Variation ID: 266323). For these reasons, this variant has been classified as Pathogenic.

Baylor Genetics
Classification: Pathogenic for Breast-ovarian cancer, familial, susceptibility to, 1. Last evaluated: 2021-03-17. Review status: criteria provided, single submitter. Criteria: ACMG Guidelines, 2015. Collection method: clinical testing. Allele origin: unknown. Not counted in ClinVar's aggregate classification.

Mendelics
Classification: Pathogenic for Breast-ovarian cancer, familial, susceptibility to, 1. Last evaluated: 2019-05-28. Review status: criteria provided, single submitter. Criteria: Mendelics Assertion Criteria 2017. Collection method: clinical testing. Allele origin: unknown. Not counted in ClinVar's aggregate classification.

Consortium of Investigators of Modifiers of BRCA1/2 (CIMBA), c/o University of Cambridge
Classification: Pathogenic for Breast-ovarian cancer, familial, susceptibility to, 1. Last evaluated: 2015-10-02. Review status: criteria provided, single submitter. Criteria: CIMBA Mutation Classification guidelines May 2016. Collection method: clinical testing. Allele origin: germline. Not counted in ClinVar's aggregate classification.

Literature cited by the submitters: PubMed 27062684 (cited by Ambry Genetics and Labcorp Genetics (formerly Invitae), Labcorp); PubMed 20104584 (cited by Labcorp Genetics (formerly Invitae), Labcorp); PubMed 29446198 (cited by Labcorp Genetics (formerly Invitae), Labcorp).

NM_007294.4(BRCA1):c.2960dup (p.Ser988fs)

Gene: BRCA1 (BRCA1 DNA repair associated; minus strand). Cytogenetic location: 17q21.31.
Variant type: Duplication.
Coding change: c.2960dup on transcript NM_007294.4 (MANE Select); coding-DNA position 2960, one base duplicated (A; older notation c.2960dupA).
Protein change: p.Ser988fs; shifts the reading frame from serine 988.
Molecular consequence: frameshift variant. On other transcripts: intron variant (137).
Genome position (GRCh38, 1-based): chr17:43,092,571, T duplicated on the plus strand (A on the coding strand, the reverse complement: BRCA1 is on the minus strand); the first of 2 consecutive T bases (chr17:43,092,571-43,092,572); duplicating either gives the same sequence. VCF-style (leftmost placement, unchanged base first): chr17-43092570-C-CT. GRCh37 (hg19) VCF-style: chr17-41244587-C-CT.
Other names: 3079insA; c.2960dup, p.Ser988fs (NM_007294.3, NM_001407594.1, NM_001407596.1 and 31 more transcripts); c.2960dupA (NM_007294.3); c.2957dup, p.Ser987fs (NM_001407610.1, NM_001407611.1, NM_001407612.1 and 22 more transcripts); c.2951dup, p.Ser985fs (NM_001407646.1, NM_001407647.1); c.2837dup, p.Ser947fs (NM_001407648.1, NM_001407664.1, NM_001407665.1 and 19 more transcripts); c.2834dup, p.Ser946fs (NM_001407649.1, NM_001407670.1, NM_001407671.1 and 11 more transcripts); c.2882dup, p.Ser962fs (NM_001407653.1, NM_001407654.1, NM_001407655.1 and 4 more transcripts); and 43 more; short protein forms S941fs, S988fs, S860fs, S861fs, S917fs, S921fs, S987fs, S899fs.
Identifiers: ClinVar variation 266323 (VCV000266323.19), dbSNP rs886040088, ClinGen allele CA10589793.